The following is an entry in ClinVar:

NM_145868.2(ANXA11):c.1105G>A (p.Glu369Lys)

Gene: ANXA11 (annexin A11; minus strand). Cytogenetic location: 10q22.3.
Variant type: single nucleotide variant.
Coding change: c.1105G>A on transcript NM_145868.2 (MANE Select); coding-DNA position 1105, G replaced by A.
Protein change: p.Glu369Lys; replaces glutamic acid 369 with lysine.
Molecular consequence: missense variant.
Genome position (GRCh38, 1-based): chr10:80,162,010, C>T on the plus strand (G>A on the coding strand, the complement: ANXA11 is on the minus strand). VCF-style: chr10-80162010-C-T. GRCh37 (hg19) VCF-style: chr10-81921766-C-T.
Other names: p.Glu369Lys; c.1105G>A, p.Glu369Lys (NM_001157.3, NM_001278407.2, NM_001278408.2 and 1 more transcripts); c.1006G>A, p.Glu336Lys (NM_001278409.2); short protein forms E369K, E336K.
Identifiers: ClinVar variation 716667 (VCV000716667.35), dbSNP rs34414015, ClinGen allele CA5575915.

ClinVar aggregate classification (germline): Benign/Likely benign. Review status: criteria provided, multiple submitters, no conflicts (2 of 4 stars). 4 submissions from 4 submitters: Benign (3); Likely benign (1). Last evaluated 2026-09-01.

Allele frequency attached by ClinVar (database versions not stated): 1000 Genomes Project 0.00180; 1000 Genomes Project 30x 0.00219; gnomAD 0.00337 and 0.00347; TOPMed 0.00355; gnomAD exomes 0.00360 and 0.00528; ExAC 0.00412; ESP Exome Variant Server 0.00461.
gnomAD v4.1: 8,189 of 1,611,466 alleles (0.51%); highest among the groups gnomAD compares: Non-Finnish European, 0.63%; 19 homozygotes.

Submissions (4):

CeGaT Center for Human Genetics Tuebingen
Classification: Likely benign. Last evaluated: 2026-09-01. Review status: criteria provided, single submitter. Criteria: CeGaT Center For Human Genetics Tuebingen Variant Classification Criteria Version 2. Collection method: clinical testing. Allele origin: germline. Affected: yes. Observed: 10 variant alleles.
Comment: ANXA11: BS2

Labcorp Genetics (formerly Invitae), Labcorp
Classification: Benign. Last evaluated: 2026-01-24. Review status: criteria provided, single submitter. Criteria: Invitae Variant Classification Sherloc (09022015). Collection method: clinical testing. Allele origin: germline.

Mayo Clinic Laboratories, Mayo Clinic
Classification: Benign. Last evaluated: 2025-03-21. Review status: criteria provided, single submitter. Criteria: ACMG Guidelines, 2015. Collection method: clinical testing. Allele origin: germline. Observed: 3 variant alleles.
Comment: BA1, BS2

Breakthrough Genomics
Classification: Benign. Review status: criteria provided, single submitter. Criteria: ACMG Guidelines, 2015. Collection method: not provided. Allele origin: germline. Inheritance: Autosomal dominant inheritance. Affected: yes.

Literature cited by the submitters: PubMed 33087501 (cited by Mayo Clinic Laboratories, Mayo Clinic); PubMed 35525134 (cited by Mayo Clinic Laboratories, Mayo Clinic).